The following is an entry in ClinVar:

ClinVar aggregate classification (germline): Uncertain significance. Review status: criteria provided, multiple submitters, no conflicts (2 of 4 stars). 2 submissions from 2 submitters: Uncertain significance (2). Last evaluated 2025-03-07.

Conditions:
Neuroblastoma, susceptibility to, 3. Also called: ALK-Related Neuroblastic Tumor Susceptibility. Identifiers: Orphanet 635, MedGen C2751681, MONDO:0013083, OMIM 613014.
Hereditary cancer-predisposing syndrome. Also called: Neoplastic Syndromes, Hereditary; Hereditary neoplastic syndrome; Tumor predisposition; Hereditary Cancer Syndrome. Identifiers: Orphanet 140162, MedGen C0027672, MeSH D009386, MONDO:0015356.

Allele frequency attached by ClinVar (database versions not stated): gnomAD exomes 0.00001.
gnomAD v4.1: 7 of 1,552,152 alleles (0.00045%); highest among the groups gnomAD compares: Non-Finnish European, 0.00061%; no homozygotes.

Submissions (2):

Labcorp Genetics (formerly Invitae), Labcorp
Classification: Uncertain significance for Neuroblastoma, susceptibility to, 3. Last evaluated: 2025-03-07. Review status: criteria provided, single submitter. Criteria: Invitae Variant Classification Sherloc (09022015). Collection method: clinical testing. Allele origin: germline.
Comment: This sequence change replaces serine, which is neutral and polar, with proline, which is neutral and non-polar, at codon 109 of the ALK protein (p.Ser109Pro). This variant is not present in population databases (gnomAD no frequency). This variant has not been reported in the literature in individuals affected with ALK-related conditions. ClinVar contains an entry for this variant (Variation ID: 663241). An algorithm developed to predict the effect of missense changes on protein structure and function outputs the following: PolyPhen-2: "Benign". The proline amino acid residue is found in multiple mammalian species, which suggests that this missense change does not adversely affect protein function. In summary, the available evidence is currently insufficient to determine the role of this variant in disease. Therefore, it has been classified as a Variant of Uncertain Significance.

Ambry Genetics
Classification: Uncertain significance for Hereditary cancer-predisposing syndrome. Last evaluated: 2025-02-08. Review status: criteria provided, single submitter. Criteria: Ambry Variant Classification Scheme 2023. Collection method: clinical testing. Allele origin: germline.
Comment: The p.S109P variant (also known as c.325T>C), located in coding exon 1 of the ALK gene, results from a T to C substitution at nucleotide position 325. The serine at codon 109 is replaced by proline, an amino acid with similar properties. This amino acid position is conserved. In addition, this alteration is predicted to be tolerated by in silico analysis. Since supporting evidence is limited at this time, the clinical significance of this alteration remains unclear.

NM_004304.5(ALK):c.325T>C (p.Ser109Pro)

Gene: ALK (ALK receptor tyrosine kinase; minus strand). Cytogenetic location: 2p23.1.
Variant type: single nucleotide variant.
Coding change: c.325T>C on transcript NM_004304.5 (MANE Select); coding-DNA position 325, T replaced by C.
Protein change: p.Ser109Pro; replaces serine 109 with proline.
Molecular consequence: missense variant.
Genome position (GRCh38, 1-based): chr2:29,920,335, A>G on the plus strand (T>C on the coding strand, the complement: ALK is on the minus strand). VCF-style: chr2-29920335-A-G. GRCh37 (hg19) VCF-style: chr2-30143201-A-G.
Other names: short protein forms S109P.
Identifiers: ClinVar variation 663241 (VCV000663241.11), dbSNP rs1572503443, ClinGen allele CA346590259.